The following is an entry in ClinVar:

NM_144672.4(OTOA):c.660C>T (p.Tyr220=)

Gene: OTOA (otoancorin). Cytogenetic location: 16p12.2.
Variant type: single nucleotide variant.
Coding change: c.660C>T on transcript NM_144672.4 (MANE Select); coding-DNA position 660, C replaced by T.
Protein change: p.Tyr220=; no amino-acid change (tyrosine 220 retained).
Molecular consequence: synonymous variant.
Genome position (GRCh38, 1-based): chr16:21,691,608, C>T. VCF-style: chr16-21691608-C-T. GRCh37 (hg19) VCF-style: chr16-21702929-C-T.
Other names: c.423C>T, p.Tyr141= (NM_001161683.2).
Identifiers: ClinVar variation 178498 (VCV000178498.12), dbSNP rs139292090, ClinGen allele CA182442.

ClinVar aggregate classification (germline): Likely benign. Review status: criteria provided, multiple submitters, no conflicts (2 of 4 stars). 3 submissions from 3 submitters: Likely benign (3). Last evaluated 2026-04-01.

Allele frequency attached by ClinVar (database versions not stated): ExAC 0.00013; gnomAD exomes 0.00013; 1000 Genomes Project 30x 0.00016; 1000 Genomes Project 0.00020; gnomAD 0.00020; TOPMed 0.00026; ESP Exome Variant Server 0.00038.
gnomAD v4.1: 110 of 1,613,792 alleles (0.0068%); highest among the groups gnomAD compares: African/African-American, 0.073%; no homozygotes.

Submissions (3):

CeGaT Center for Human Genetics Tuebingen
Classification: Likely benign. Last evaluated: 2026-04-01. Review status: criteria provided, single submitter. Criteria: CeGaT Center For Human Genetics Tuebingen Variant Classification Criteria Version 2. Collection method: clinical testing. Allele origin: germline. Affected: yes. Observed: 1 variant allele.
Comment: OTOA: BP4, BP7

Labcorp Genetics (formerly Invitae), Labcorp
Classification: Likely benign. Last evaluated: 2025-07-29. Review status: criteria provided, single submitter. Criteria: Invitae Variant Classification Sherloc (09022015). Collection method: clinical testing. Allele origin: germline.

Laboratory for Molecular Medicine, Mass General Brigham Personalized Medicine
Classification: Likely benign. Last evaluated: 2012-04-30. Review status: criteria provided, single submitter. Criteria: LMM Criteria. Collection method: clinical testing. Allele origin: germline. Observed: 2 variant alleles.
Comment: Tyr220Tyr in Exon 08 of OTOA: This variant is not expected to have clinical sign ificance because it does not alter an amino acid residue, is not located within the splice consensus sequence, and has been identified in 0.1% (3/3738) of Afric an American chromosomes from a broad population by the NHLBI Exome Sequencing Pr oject (dbSNP rs139292090).